The following is an entry in ClinVar:

ClinVar aggregate classification (germline): Uncertain significance. Review status: criteria provided, multiple submitters, no conflicts (2 of 4 stars). 2 submissions from 2 submitters: Uncertain significance (2). Last evaluated 2023-11-10.

Conditions:
FBN2-related disorder. Also called: FBN2-related condition.
Congenital contractural arachnodactyly (CCA). Also called: BEALS SYNDROME; Beals-Hecht syndrome; Arthrogryposis, distal, type 9. Identifiers: Orphanet 115, MedGen C0220668, MONDO:0007363, OMIM 121050.

Submissions (2):

Labcorp Genetics (formerly Invitae), Labcorp
Classification: Uncertain significance for Congenital contractural arachnodactyly. Last evaluated: 2023-11-10. Review status: criteria provided, single submitter. Criteria: Invitae Variant Classification Sherloc (09022015). Collection method: clinical testing. Allele origin: germline.
Comment: This sequence change replaces asparagine, which is neutral and polar, with serine, which is neutral and polar, at codon 2018 of the FBN2 protein (p.Asn2018Ser). This variant is not present in population databases (gnomAD no frequency). This variant has not been reported in the literature in individuals affected with FBN2-related conditions. Advanced modeling of protein sequence and biophysical properties (such as structural, functional, and spatial information, amino acid conservation, physicochemical variation, residue mobility, and thermodynamic stability) performed at Invitae indicates that this missense variant is expected to disrupt FBN2 protein function with a positive predictive value of 80%. In summary, the available evidence is currently insufficient to determine the role of this variant in disease. Therefore, it has been classified as a Variant of Uncertain Significance.

PreventionGenetics, part of Exact Sciences
Classification: Uncertain significance for FBN2-related condition. Last evaluated: 2023-02-22. Review status: criteria provided, single submitter. Criteria: ACMG Guidelines, 2015. Collection method: clinical testing. Allele origin: germline.
Comment: The FBN2 c.6053A>G variant is predicted to result in the amino acid substitution p.Asn2018Ser. To our knowledge, this variant has not been reported in the literature or in a large population database, indicating this variant is rare. At this time, the clinical significance of this variant is uncertain due to the absence of conclusive functional and genetic evidence.

NM_001999.4(FBN2):c.6053A>G (p.Asn2018Ser)

Gene: FBN2 (fibrillin 2; minus strand). Cytogenetic location: 5q23.3.
Variant type: single nucleotide variant.
Coding change: c.6053A>G on transcript NM_001999.4 (MANE Select); coding-DNA position 6053, A replaced by G.
Protein change: p.Asn2018Ser; replaces asparagine 2018 with serine.
Molecular consequence: missense variant.
Genome position (GRCh38, 1-based): chr5:128,300,930, T>C on the plus strand (A>G on the coding strand, the complement: FBN2 is on the minus strand). VCF-style: chr5-128300930-T-C. GRCh37 (hg19) VCF-style: chr5-127636622-T-C.
Other names: short protein forms N2018S.
Identifiers: ClinVar variation 2630493 (VCV002630493.4), dbSNP rs2479711853, ClinGen allele CA360766614.